The following is an entry in ClinVar:

ClinVar aggregate classification (germline): Uncertain significance (1 of 4 stars; one submission).

Conditions:
Inborn genetic diseases. Identifiers: MedGen C0950123, MeSH D030342.

gnomAD v4.1: 1 of 1,613,814 alleles (0.000062%); no homozygotes.

Submission:

Ambry Genetics
Classification: Uncertain significance for Inborn genetic diseases. Last evaluated: 2021-06-18. Review status: criteria provided, single submitter. Criteria: Ambry Variant Classification Scheme 2023. Collection method: clinical testing. Allele origin: germline.
Comment: The p.G280E variant (also known as c.839G>A), located in coding exon 4 of the PIK3CA gene, results from a G to A substitution at nucleotide position 839. The glycine at codon 280 is replaced by glutamic acid, an amino acid with similar properties. This amino acid position is conserved. In addition, the in silico prediction for this alteration is inconclusive. Since supporting evidence is limited at this time, the clinical significance of this alteration remains unclear.

NM_006218.4(PIK3CA):c.839G>A (p.Gly280Glu)

Gene: PIK3CA (phosphatidylinositol-4,5-bisphosphate 3-kinase catalytic subunit alpha; plus strand). Cytogenetic location: 3q26.32.
Variant type: single nucleotide variant.
Coding change: c.839G>A on transcript NM_006218.4 (MANE Select); coding-DNA position 839, G replaced by A.
Protein change: p.Gly280Glu; replaces glycine 280 with glutamic acid.
Molecular consequence: missense variant.
Genome position (GRCh38, 1-based): chr3:179,203,569, G>A. VCF-style: chr3-179203569-G-A. GRCh37 (hg19) VCF-style: chr3-178921357-G-A.
Other names: short protein forms G280E.
Identifiers: ClinVar variation 1763225 (VCV001763225.2), dbSNP rs2108392564, ClinGen allele CA355279771.